The following is an entry in ClinVar:

ClinVar aggregate classification (germline): Likely benign (1 of 4 stars; one submission).

Conditions:
PLEKHA7-related disorder. Also called: PLEKHA7-related condition.

gnomAD v4.1: 401 of 1,614,136 alleles (0.025%); highest among the groups gnomAD compares: Middle Eastern, 0.15%; 2 homozygotes.

Submission:

PreventionGenetics, part of Exact Sciences
Classification: Likely benign for PLEKHA7-related condition. Last evaluated: 2026-01-06. Review status: criteria provided, single submitter. Criteria: ACMG Guidelines, 2015. Collection method: clinical testing. Allele origin: germline.
Comment: This variant is classified as likely benign based on ACMG/AMP sequence variant interpretation guidelines (Richards et al. 2015 PMID: 25741868, with internal and published modifications).

NM_001329630.2(PLEKHA7):c.375G>A (p.Thr125=)

Gene: PLEKHA7 (pleckstrin homology domain containing A7; minus strand). Cytogenetic location: 11p15.2.
Variant type: single nucleotide variant.
Coding change: c.375G>A on transcript NM_001329630.2 (MANE Select); coding-DNA position 375, G replaced by A.
Protein change: p.Thr125=; no amino-acid change (threonine 125 retained).
Molecular consequence: synonymous variant.
Genome position (GRCh38, 1-based): chr11:16,855,845, C>T on the plus strand (G>A on the coding strand, the complement: PLEKHA7 is on the minus strand). VCF-style: chr11-16855845-C-T. GRCh37 (hg19) VCF-style: chr11-16877392-C-T.
Other names: c.375G>A, p.Thr125= (NM_001329631.2, NM_001410960.1, NM_175058.5).
Identifiers: ClinVar variation 4979465 (VCV004979465.1).